The following is an entry in ClinVar:

NM_170754.4(TNS2):c.610C>A (p.Pro204Thr)

Gene: TNS2 (tensin 2; plus strand). Cytogenetic location: 12q13.13.
Variant type: single nucleotide variant.
Coding change: c.610C>A on transcript NM_170754.4 (MANE Select); coding-DNA position 610, C replaced by A.
Protein change: p.Pro204Thr; replaces proline 204 with threonine.
Molecular consequence: missense variant.
Genome position (GRCh38, 1-based): chr12:53,055,604, C>A. VCF-style: chr12-53055604-C-A. GRCh37 (hg19) VCF-style: chr12-53449388-C-A.
Other names: c.610C>A, p.Pro204Thr (NM_001416202.1, NM_001416204.1); c.541C>A, p.Pro181Thr (NM_001416203.1, NM_015319.3); c.238C>A, p.Pro80Thr (NM_198316.2); short protein forms P80T, P204T, P181T.
Identifiers: ClinVar variation 4711940 (VCV004711940.1).

ClinVar aggregate classification (germline): Uncertain significance (1 of 4 stars; one submission).

Submission:

Labcorp Genetics (formerly Invitae), Labcorp
Classification: Uncertain significance. Last evaluated: 2025-07-28. Review status: criteria provided, single submitter. Criteria: Invitae Variant Classification Sherloc (09022015). Collection method: clinical testing. Allele origin: germline.
Comment: This sequence change replaces proline, which is neutral and non-polar, with threonine, which is neutral and polar, at codon 214 of the TNS2 protein (p.Pro214Thr). This variant is not present in population databases (gnomAD no frequency). This variant has not been reported in the literature in individuals affected with TNS2-related conditions. An algorithm developed to predict the effect of missense changes on protein structure and function (PolyPhen-2) suggests that this variant is likely to be disruptive. In summary, the available evidence is currently insufficient to determine the role of this variant in disease. Therefore, it has been classified as a Variant of Uncertain Significance.